The following is an entry in ClinVar:

ClinVar aggregate classification (germline): Likely pathogenic (0 of 4 stars; one submission).

Conditions:
Thyroid dyshormonogenesis 1. Also called: Familial thyroid dyshormonogenesis 1; HYPOTHYROIDISM, CONGENITAL, DUE TO DYSHORMONOGENESIS, 1; IODINE ACCUMULATION, TRANSPORT, OR TRAPPING DEFECT; THYROID HORMONOGENESIS, GENETIC DEFECT IN, 1. Identifiers: Orphanet 95716, MedGen C1848805, MONDO:0020716, OMIM 274400.

Submission:

Department of Pediatrics, Division of Medical Genetics, Faculty of Medicine Ramathibodi Hospital, Mahidol University
Classification: Likely pathogenic for Thyroid dyshormonogenesis 1. Last evaluated: 2020-05-07. Review status: no assertion criteria provided. Collection method: research. Allele origin: germline. Inheritance: Autosomal recessive inheritance. Affected: yes. Observed: 1 homozygote.

NM_000453.3(SLC5A5):c.794A>G (p.Gln265Arg)

Gene: SLC5A5 (solute carrier family 5 member 5; plus strand). Cytogenetic location: 19p13.11.
Variant type: single nucleotide variant.
Coding change: c.794A>G on transcript NM_000453.3 (MANE Select); coding-DNA position 794, A replaced by G.
Protein change: p.Gln265Arg; replaces glutamine 265 with arginine.
Molecular consequence: missense variant.
Genome position (GRCh38, 1-based): chr19:17,877,818, A>G. VCF-style: chr19-17877818-A-G. GRCh37 (hg19) VCF-style: chr19-17988627-A-G.
Other names: short protein forms Q265R.
Identifiers: ClinVar variation 917859 (VCV000917859.2), dbSNP rs2094311069, ClinGen allele CA404783968.